The following is an entry in ClinVar:

NM_198578.4(LRRK2):c.6830A>C (p.Asp2277Ala)

Gene: LRRK2 (leucine rich repeat kinase 2; plus strand). Cytogenetic location: 12q12.
Variant type: single nucleotide variant.
Coding change: c.6830A>C on transcript NM_198578.4 (MANE Select); coding-DNA position 6830, A replaced by C.
Protein change: p.Asp2277Ala; replaces aspartic acid 2277 with alanine.
Molecular consequence: missense variant.
Genome position (GRCh38, 1-based): chr12:40,356,174, A>C. VCF-style: chr12-40356174-A-C. GRCh37 (hg19) VCF-style: chr12-40749976-A-C.
Other names: short protein forms D2277A.
Identifiers: ClinVar variation 1755684 (VCV001755684.3), dbSNP rs1237173239, ClinGen allele CA384410239.

ClinVar aggregate classification (germline): Uncertain significance (1 of 4 stars; one submission).

Conditions:
Inborn genetic diseases. Identifiers: MedGen C0950123, MeSH D030342.

Submission:

Ambry Genetics
Classification: Uncertain significance for Inborn genetic diseases. Last evaluated: 2024-11-12. Review status: criteria provided, single submitter. Criteria: Ambry Variant Classification Scheme 2023. Collection method: clinical testing. Allele origin: germline.
Comment: The p.D2277A variant (also known as c.6830A>C), located in coding exon 46 of the LRRK2 gene, results from an A to C substitution at nucleotide position 6830. The aspartic acid at codon 2277 is replaced by alanine, an amino acid with dissimilar properties. This amino acid position is conserved. In addition, the in silico prediction for this alteration is inconclusive. Since supporting evidence is limited at this time, the clinical significance of this alteration remains unclear.